The following is an entry in ClinVar:

ClinVar aggregate classification (germline): Uncertain significance (1 of 4 stars; one submission).

Conditions:
Hereditary cancer-predisposing syndrome. Also called: Neoplastic Syndromes, Hereditary; Tumor predisposition; Hereditary Cancer Syndrome; Hereditary neoplastic syndrome. Identifiers: Orphanet 140162, MedGen C0027672, MeSH D009386, MONDO:0015356.

Submission:

Ambry Genetics
Classification: Uncertain significance for Hereditary cancer-predisposing syndrome. Last evaluated: 2026-06-22. Review status: criteria provided, single submitter. Criteria: Ambry Variant Classification Scheme 2023. Collection method: clinical testing. Allele origin: germline.
Comment: The p.T16I variant (also known as c.47C>T), located in coding exon 2 of the BAP1 gene, results from a C to T substitution at nucleotide position 47. The threonine at codon 16 is replaced by isoleucine, an amino acid with similar properties. This amino acid position is highly conserved in available vertebrate species. In addition, this alteration is predicted to be deleterious by in silico analysis. This alteration was non-functional in a high throughput genome editing haploid cell survival assay (Waters AJ et al. Nat Genet, 2024 Jul;56:1434-1445). Based on the available evidence, the clinical significance of this variant remains unclear.

Literature cited by the submitters: PubMed 38969833.

NM_004656.4(BAP1):c.47C>T (p.Thr16Ile)

Gene: BAP1 (BRCA1 associated deubiquitinase 1; minus strand). Cytogenetic location: 3p21.1.
Variant type: single nucleotide variant.
Coding change: c.47C>T on transcript NM_004656.4 (MANE Select); coding-DNA position 47, C replaced by T.
Protein change: p.Thr16Ile; replaces threonine 16 with isoleucine.
Molecular consequence: missense variant.
Genome position (GRCh38, 1-based): chr3:52,409,734, G>A on the plus strand (C>T on the coding strand, the complement: BAP1 is on the minus strand). VCF-style: chr3-52409734-G-A. GRCh37 (hg19) VCF-style: chr3-52443750-G-A.
Other names: c.47C>T, p.Thr16Ile (NM_001410772.1); short protein forms T16I.
Identifiers: ClinVar variation 3224469 (VCV003224469.3), dbSNP rs1310958946, ClinGen allele CA353114947.
Genomic context (GRCh38, chr3:52,409,734, plus strand): 5'-CCGCCACAGCCCCGGTCCGGCAGGGAGAAAAGGCTCTTACCGAAATCTTCCACGAGCAGG[G>A]TGAAGAGGCCTGGGTGGGGCGACAAGAGGAGGGGGTGATGGTCAGGCAGGCGCGTCCCGG-3'
Protein context (NP_004647.1, residues 6-26): LELESDPGLF[Thr16Ile]LLVEDFGVKG